The following is an entry in ClinVar:

NM_001458.5(FLNC):c.1374del (p.Ile459fs)

Gene: FLNC (filamin C; plus strand). Cytogenetic location: 7q32.1.
Variant type: Deletion.
Coding change: c.1374del on transcript NM_001458.5 (MANE Select); coding-DNA position 1374, one base deleted (C; older notation c.1374delC).
Protein change: p.Ile459fs; shifts the reading frame from isoleucine 459.
Molecular consequence: frameshift variant.
Genome position (GRCh38, 1-based): chr7:128,838,766, C deleted; the last of 5 consecutive C bases (chr7:128,838,762-128,838,766); deleting any one gives the same sequence. VCF-style (leftmost placement, unchanged base first): chr7-128838761-GC-G. GRCh37 (hg19) VCF-style: chr7-128478815-GC-G.
Other names: c.1374del, p.Ile459fs (NM_001127487.2); short protein forms I459fs.
Identifiers: ClinVar variation 2942828 (VCV002942828.3), dbSNP rs1360167769, ClinGen allele CA578150175.

ClinVar aggregate classification (germline): Pathogenic (1 of 4 stars; one submission).

Conditions:
Hypertrophic cardiomyopathy 26. Also called: Cardiomyopathy, familial hypertrophic, 26. Identifiers: Orphanet 75249, MedGen C4310749, MONDO:0014883, OMIM 617047.
Myofibrillar myopathy 5. Also called: Filaminopathy (type); FILAMINOPATHY, AUTOSOMAL DOMINANT. Identifiers: Orphanet 171445, MedGen C1836050, MONDO:0012289, OMIM 609524.
Distal myopathy with posterior leg and anterior hand involvement. Also called: WILLIAMS DISTAL MYOPATHY. Identifiers: Orphanet 63273, MedGen C3279722, MONDO:0013550, OMIM 614065.

Submission:

Labcorp Genetics (formerly Invitae), Labcorp
Classification: Pathogenic for Distal myopathy with posterior leg and anterior hand involvement; Myofibrillar myopathy 5; Hypertrophic cardiomyopathy 26. Last evaluated: 2023-09-06. Review status: criteria provided, single submitter. Criteria: Invitae Variant Classification Sherloc (09022015). Collection method: clinical testing. Allele origin: germline.
Comment: This sequence change creates a premature translational stop signal (p.Ile459Serfs*33) in the FLNC gene. It is expected to result in an absent or disrupted protein product. Loss-of-function variants in FLNC are known to be pathogenic (PMID: 27908349). For these reasons, this variant has been classified as Pathogenic. This variant has not been reported in the literature in individuals affected with FLNC-related conditions. This variant is not present in population databases (gnomAD no frequency).

Literature cited by the submitters: PubMed 27908349.